The following is an entry in ClinVar:

ClinVar aggregate classification (germline): Uncertain significance. Review status: criteria provided, multiple submitters, no conflicts (2 of 4 stars). 4 submissions from 4 submitters: Uncertain significance (4). Last evaluated 2026-09-21.

Conditions:
Dilated cardiomyopathy 1P (CMD1P). Identifiers: Orphanet 154, MedGen C1835928, MONDO:0012362, OMIM 609909.
Cardiovascular phenotype. Identifiers: MedGen CN230736.

Allele frequency attached by ClinVar (database versions not stated): gnomAD exomes below 0.00001.
gnomAD v4.1: 3 of 1,610,316 alleles (0.00019%); highest among the groups gnomAD compares: Non-Finnish European, 0.00025%; no homozygotes.

Submissions (4):

Molecular Diagnostic Laboratory for Inherited Cardiovascular Disease, Montreal Heart Institute
Classification: Uncertain significance for Cardiovascular phenotype. Last evaluated: 2026-09-21. Review status: criteria provided, single submitter. Criteria: ACMG Guidelines, 2015. Collection method: clinical testing. Allele origin: germline. Affected: yes.
Comment: PS4_supp, PM2, PP3

Labcorp Genetics (formerly Invitae), Labcorp
Classification: Uncertain significance for Dilated cardiomyopathy 1P. Last evaluated: 2025-02-12. Review status: criteria provided, single submitter. Criteria: Invitae Variant Classification Sherloc (09022015). Collection method: clinical testing. Allele origin: germline.
Comment: This sequence change replaces leucine, which is neutral and non-polar, with proline, which is neutral and non-polar, at codon 51 of the PLN protein (p.Leu51Pro). This variant is not present in population databases (gnomAD no frequency). This missense change has been observed in individual(s) with hypertrophic cardiomyopathy (PMID: 27532257). ClinVar contains an entry for this variant (Variation ID: 44577). An algorithm developed to predict the effect of missense changes on protein structure and function (PolyPhen-2) suggests that this variant is likely to be disruptive. In summary, the available evidence is currently insufficient to determine the role of this variant in disease. Therefore, it has been classified as a Variant of Uncertain Significance.

Blueprint Genetics
Classification: Uncertain significance. Last evaluated: 2020-10-28. Review status: criteria provided, single submitter. Criteria: ACMG Guidelines, 2015. Collection method: clinical testing. Allele origin: germline.

Laboratory for Molecular Medicine, Mass General Brigham Personalized Medicine
Classification: Uncertain significance. Last evaluated: 2012-08-24. Review status: criteria provided, single submitter. Criteria: LMM Criteria. Collection method: clinical testing. Allele origin: germline. Observed: 1 variant allele.
Comment: Variant classified as Uncertain Significance - Favor Pathogenic. The Leu51Pro va riant in PLN has not been reported in the literature and has not been identified in large and broad European and African American populations by the NHLBI Exome Sequencing Project. This low frequency is co nsistent with a disease causing role but insufficient to establish this with con fidence. Computational analyses (biochemical amino acid properties, conservation , AlignGVGD, PolyPhen2, and SIFT) suggest that the Leu51Pro variant may impact t he protein, though this information is not predictive enough to determine pathog enicity. Additional studies are needed to fully assess the clinical significance of the Leu51Pro variant.

Literature cited by the submitters: PubMed 27532257 (cited by Labcorp Genetics (formerly Invitae), Labcorp).

NM_002667.5(PLN):c.152T>C (p.Leu51Pro)

Genes: CEP85L (centrosomal protein 85L; minus strand), PLN (phospholamban; plus strand). Cytogenetic location: 6q22.31.
Variant type: single nucleotide variant.
Coding change: c.152T>C on transcript NM_002667.5 (MANE Select); coding-DNA position 152, T replaced by C.
Protein change: p.Leu51Pro; replaces leucine 51 with proline.
Molecular consequence: missense variant. On other transcripts: intron variant (3).
Genome position (GRCh38, 1-based): chr6:118,559,073, T>C. VCF-style: chr6-118559073-T-C. GRCh37 (hg19) VCF-style: chr6-118880236-T-C.
Other names: c.1029+6456A>G (NM_001178035.2); c.1020+6456A>G (NM_001042475.3, NM_206921.3); c.152T>C (NM_002667.4); short protein forms L51P.
Identifiers: ClinVar variation 44577 (VCV000044577.11), dbSNP rs397516783, ClinGen allele CA134573.